The following is an entry in ClinVar:

NM_001035.3(RYR2):c.5858T>A (p.Met1953Lys)

Gene: RYR2 (ryanodine receptor 2; plus strand). Cytogenetic location: 1q43.
Variant type: single nucleotide variant.
Coding change: c.5858T>A on transcript NM_001035.3 (MANE Select); coding-DNA position 5858, T replaced by A.
Protein change: p.Met1953Lys; replaces methionine 1953 with lysine.
Molecular consequence: missense variant.
Genome position (GRCh38, 1-based): chr1:237,617,428, T>A. VCF-style: chr1-237617428-T-A. GRCh37 (hg19) VCF-style: chr1-237780728-T-A.
Other names: short protein forms M1953K.
Identifiers: ClinVar variation 1318911 (VCV001318911.2), dbSNP rs2148614340, ClinGen allele CA345407302.

ClinVar aggregate classification (germline): Uncertain significance (1 of 4 stars; one submission).

Submission:

GeneDx
Classification: Uncertain significance. Last evaluated: 2020-02-28. Review status: criteria provided, single submitter. Criteria: GeneDx Variant Classification Process June 2021. Collection method: clinical testing. Allele origin: germline. Affected: yes.
Comment: Not observed in large population cohorts (Lek et al., 2016); In silico analysis supports that this missense variant has a deleterious effect on protein structure/function; Has not been previously published as pathogenic or benign to our knowledge